The following is an entry in ClinVar:

NM_017617.5(NOTCH1):c.4746G>A (p.Pro1582=)

Gene: NOTCH1 (notch receptor 1; minus strand). Cytogenetic location: 9q34.3.
Variant type: single nucleotide variant.
Coding change: c.4746G>A on transcript NM_017617.5 (MANE Select); coding-DNA position 4746, G replaced by A.
Protein change: p.Pro1582=; no amino-acid change (proline 1582 retained).
Molecular consequence: synonymous variant.
Genome position (GRCh38, 1-based): chr9:136,504,945, C>T on the plus strand (G>A on the coding strand, the complement: NOTCH1 is on the minus strand). VCF-style: chr9-136504945-C-T. GRCh37 (hg19) VCF-style: chr9-139399397-C-T.
Other names: c.4746G>A, p.Pro1582= (LRG_1122t1).
Identifiers: ClinVar variation 263919 (VCV000263919.12), dbSNP rs886038974, ClinGen allele CA10587667.
Genomic context (GRCh38, chr9:136,504,945, plus strand): 5'-GGTGTGCAGCACGCGGCTGAGCTCCCGCAGGAAGTGGAAGGAGCTGTTGCGCAGCTGCTC[C>T]GGCGGCATCAGCACCACCACCACCAGCGTGCCGGCCGCCAGCCTCTCGGGTACATGCTCC-3'
Protein context (NP_060087.3, residues 1572-1592): GTLVVVVLMP[Pro1582=]EQLRNSSFHF

ClinVar aggregate classification (germline): Benign/Likely benign. Review status: criteria provided, multiple submitters, no conflicts (2 of 4 stars). 6 submissions from 5 submitters: Benign (1); Likely benign (5). Last evaluated 2025-05-19.

Conditions:
Adams-Oliver syndrome 5 (AOS5). Identifiers: Orphanet 974, MedGen C4014970, MONDO:0014459, OMIM 616028.
Familial thoracic aortic aneurysm and aortic dissection (TAAD). Also called: Thoracic aortic aneurysms and dissections. Identifiers: Orphanet 91387, MedGen C4707243, MONDO:0019625.
Aortic valve disease 1 (AOVD1). Identifiers: MedGen C3887892, MONDO:0024523, OMIM 109730.

Allele frequency attached by ClinVar (database versions not stated): gnomAD exomes 0.00001 and 0.00003; gnomAD 0.00002; TOPMed 0.00002.
gnomAD v4.1: 50 of 1,587,596 alleles (0.0031%); highest among the groups gnomAD compares: Non-Finnish European, 0.0037%; no homozygotes.

Submissions (6):

ARUP Laboratories, Molecular Genetics and Genomics, ARUP Laboratories
Classification: Likely benign. Last evaluated: 2025-05-19. Review status: criteria provided, single submitter. Criteria: ARUP Molecular Germline Variant Investigation Process 2024. Collection method: clinical testing. Allele origin: germline.

Labcorp Genetics (formerly Invitae), Labcorp
Classification: Benign for Adams-Oliver syndrome 5. Last evaluated: 2025-02-02. Review status: criteria provided, single submitter. Criteria: Invitae Variant Classification Sherloc (09022015). Collection method: clinical testing. Allele origin: germline.

Genome-Nilou Lab
Classification: Likely benign for Adams-Oliver syndrome 5. Last evaluated: 2022-03-15. Review status: criteria provided, single submitter. Criteria: ACMG Guidelines, 2015. Collection method: clinical testing. Allele origin: germline. Affected: no.

Genome-Nilou Lab
Classification: Likely benign for Aortic valve disease 1. Last evaluated: 2022-03-15. Review status: criteria provided, single submitter. Criteria: ACMG Guidelines, 2015. Collection method: clinical testing. Allele origin: germline. Affected: no.

GeneDx
Classification: Likely benign. Last evaluated: 2017-04-12. Review status: criteria provided, single submitter. Criteria: GeneDx Variant Classification (06012015). Collection method: clinical testing. Allele origin: germline. Affected: yes.
Comment: This variant is considered likely benign or benign based on one or more of the following criteria: it is a conservative change, it occurs at a poorly conserved position in the protein, it is predicted to be benign by multiple in silico algorithms, and/or has population frequency not consistent with disease.

Ambry Genetics
Classification: Likely benign for Familial thoracic aortic aneurysm and aortic dissection. Last evaluated: 2015-03-06. Review status: criteria provided, single submitter. Criteria: Ambry Variant Classification Scheme 2023. Collection method: clinical testing. Allele origin: germline.